The following is an entry in ClinVar:

ClinVar aggregate classification (germline): Uncertain significance (1 of 4 stars; one submission).

gnomAD v4.1: 1 of 1,555,252 alleles (0.000064%); highest among the groups gnomAD compares: East Asian, 0.0024%; no homozygotes.

Submission:

GeneDx
Classification: Uncertain significance. Last evaluated: 2022-11-16. Review status: criteria provided, single submitter. Criteria: GeneDx Variant Classification Process June 2021. Collection method: clinical testing. Allele origin: germline. Affected: yes.
Comment: Not observed at significant frequency in large population cohorts (gnomAD); In silico analysis supports that this missense variant has a deleterious effect on protein structure/function; Has not been previously published as pathogenic or benign to our knowledge

NM_001170629.2(CHD8):c.338C>G (p.Ser113Trp)

Gene: CHD8 (chromodomain helicase DNA binding protein 8; minus strand). Cytogenetic location: 14q11.2.
Variant type: single nucleotide variant.
Coding change: c.338C>G on transcript NM_001170629.2 (MANE Select); coding-DNA position 338, C replaced by G.
Protein change: p.Ser113Trp; replaces serine 113 with tryptophan.
Molecular consequence: missense variant. On other transcripts: intron variant (1).
Genome position (GRCh38, 1-based): chr14:21,431,306, G>C on the plus strand (C>G on the coding strand, the complement: CHD8 is on the minus strand). VCF-style: chr14-21431306-G-C. GRCh37 (hg19) VCF-style: chr14-21899465-G-C.
Other names: c.6+505C>G (NM_020920.4); short protein forms S113W.
Identifiers: ClinVar variation 2502747 (VCV002502747.1), dbSNP rs530700201, ClinGen allele CA388889358.